The following is an entry in ClinVar:

NM_022356.4(P3H1):c.1638del (p.Arg547fs)

Gene: P3H1 (prolyl 3-hydroxylase 1; minus strand). Cytogenetic location: 1p34.2.
Variant type: Deletion.
Coding change: c.1638del on transcript NM_022356.4 (MANE Select); coding-DNA position 1638, one base deleted (G; older notation c.1638delG).
Protein change: p.Arg547fs; shifts the reading frame from arginine 547.
Molecular consequence: frameshift variant.
Genome position (GRCh38, 1-based): chr1:42,750,268, C deleted on the plus strand (G on the coding strand, the reverse complement: P3H1 is on the minus strand); the first of 2 consecutive C bases (chr1:42,750,268-42,750,269); deleting either gives the same sequence. VCF-style (leftmost placement, unchanged base first): chr1-42750267-GC-G. GRCh37 (hg19) VCF-style: chr1-43215938-GC-G.
Other names: c.1638del, p.Arg547fs (NM_001146289.2, NM_001243246.2); short protein forms R547fs.
Identifiers: ClinVar variation 3662588 (VCV003662588.2).

ClinVar aggregate classification (germline): Pathogenic (1 of 4 stars; one submission).

Conditions:
Osteogenesis imperfecta type 8 (OI8). Identifiers: MedGen C1970458, MONDO:0012581, OMIM 610915.

Submission:

Labcorp Genetics (formerly Invitae), Labcorp
Classification: Pathogenic for Osteogenesis imperfecta type 8. Last evaluated: 2024-08-15. Review status: criteria provided, single submitter. Criteria: Invitae Variant Classification Sherloc (09022015). Collection method: clinical testing. Allele origin: germline.
Comment: This sequence change creates a premature translational stop signal (p.Arg547Alafs*47) in the P3H1 gene. It is expected to result in an absent or disrupted protein product. Loss-of-function variants in P3H1 are known to be pathogenic (PMID: 17277775, 18566967, 19088120, 22281939). This variant is not present in population databases (gnomAD no frequency). This variant has not been reported in the literature in individuals affected with P3H1-related conditions. For these reasons, this variant has been classified as Pathogenic.

Literature cited by the submitters: PubMed 17277775; PubMed 18566967; PubMed 19088120; PubMed 22281939.